The following is an entry in ClinVar:

ClinVar aggregate classification (germline): Uncertain significance (1 of 4 stars; one submission).

Conditions:
Emery-Dreifuss muscular dystrophy 5, autosomal dominant (EDMD5). Also called: EMERY-DREIFUSS MUSCULAR DYSTROPHY 5. Identifiers: Orphanet 261, MedGen C2751805, MONDO:0013072, OMIM 612999.

Submission:

Labcorp Genetics (formerly Invitae), Labcorp
Classification: Uncertain significance for Emery-Dreifuss muscular dystrophy 5, autosomal dominant. Last evaluated: 2025-12-09. Review status: criteria provided, single submitter. Criteria: Invitae Variant Classification Sherloc (09022015). Collection method: clinical testing. Allele origin: germline.
Comment: This sequence change creates a premature translational stop signal (p.Asn4448Lysfs*4) in the SYNE2 gene. It is expected to result in an absent or disrupted protein product. However, the current clinical and genetic evidence is not sufficient to establish whether loss-of-function variants in SYNE2 cause disease. This variant is not present in population databases (gnomAD no frequency). This variant has not been reported in the literature in individuals affected with SYNE2-related conditions. ClinVar contains an entry for this variant (Variation ID: 3703091). In summary, the available evidence is currently insufficient to determine the role of this variant in disease. Therefore, it has been classified as a Variant of Uncertain Significance.

NM_182914.3(SYNE2):c.13343dup (p.Asn4448fs)

Gene: SYNE2 (spectrin repeat containing nuclear envelope protein 2; plus strand). Cytogenetic location: 14q23.2.
Variant type: Duplication.
Coding change: c.13343dup on transcript NM_182914.3 (MANE Select); coding-DNA position 13343, one base duplicated (A; older notation c.13343dupA).
Protein change: p.Asn4448fs; shifts the reading frame from asparagine 4448.
Molecular consequence: frameshift variant.
Genome position (GRCh38, 1-based): chr14:64,122,348, A duplicated; the last of 4 consecutive A bases (chr14:64,122,345-64,122,348); duplicating any one gives the same sequence. VCF-style (leftmost placement, unchanged base first): chr14-64122344-C-CA. GRCh37 (hg19) VCF-style: chr14-64589062-C-CA.
Other names: c.13343dup, p.Asn4448fs (NM_015180.6); short protein forms N4448fs.
Identifiers: ClinVar variation 3703091 (VCV003703091.2).